The following is an entry in ClinVar:

NM_138477.4(CDAN1):c.2805G>T (p.Glu935Asp)

Gene: CDAN1 (codanin 1; minus strand). Cytogenetic location: 15q15.2.
Variant type: single nucleotide variant.
Coding change: c.2805G>T on transcript NM_138477.4 (MANE Select); coding-DNA position 2805, G replaced by T.
Protein change: p.Glu935Asp; replaces glutamic acid 935 with aspartic acid.
Molecular consequence: missense variant.
Genome position (GRCh38, 1-based): chr15:42,728,267, C>A on the plus strand (G>T on the coding strand, the complement: CDAN1 is on the minus strand). VCF-style: chr15-42728267-C-A. GRCh37 (hg19) VCF-style: chr15-43020465-C-A.
Other names: short protein forms E935D.
Identifiers: ClinVar variation 4767439 (VCV004767439.1).

ClinVar aggregate classification (germline): Uncertain significance (1 of 4 stars; one submission).

Submission:

Labcorp Genetics (formerly Invitae), Labcorp
Classification: Uncertain significance. Last evaluated: 2025-03-05. Review status: criteria provided, single submitter. Criteria: Invitae Variant Classification Sherloc (09022015). Collection method: clinical testing. Allele origin: germline.
Comment: This sequence change replaces glutamic acid, which is acidic and polar, with aspartic acid, which is acidic and polar, at codon 935 of the CDAN1 protein (p.Glu935Asp). This variant is not present in population databases (gnomAD no frequency). This variant has not been reported in the literature in individuals affected with CDAN1-related conditions. An algorithm developed to predict the effect of missense changes on protein structure and function (PolyPhen-2) suggests that this variant is likely to be disruptive. Algorithms developed to predict the effect of sequence changes on RNA splicing suggest that this variant may disrupt the consensus splice site. In summary, the available evidence is currently insufficient to determine the role of this variant in disease. Therefore, it has been classified as a Variant of Uncertain Significance.